The following is an entry in ClinVar:

ClinVar aggregate classification (germline): Likely benign (1 of 4 stars; one submission).

Conditions:
Juvenile polyposis syndrome (JPS). Identifiers: Orphanet 2929, MedGen C0345893, MONDO:0017380, OMIM 174900.

Submission:

Myriad Genetics, Inc.
Classification: Likely benign for Juvenile polyposis syndrome. Last evaluated: 2024-08-08. Review status: criteria provided, single submitter. Criteria: Myriad Autosomal Dominant, Autosomal Recessive and X-Linked Classification Criteria (2023). Collection method: clinical testing. Allele origin: unknown.
Comment: This variant is considered likely benign. This variant is intronic and is not expected to impact mRNA splicing.

NM_004329.3(BMPR1A):c.1474-9dup

Gene: BMPR1A (bone morphogenetic protein receptor type 1A; plus strand). Cytogenetic location: 10q23.2.
Variant type: Duplication.
Coding change: c.1474-9dup on transcript NM_004329.3 (MANE Select); 9 bases into the intron before coding-DNA position 1474, one base duplicated (A; older notation c.1474-9dupA).
Molecular consequence: intron variant.
Genome position (GRCh38, 1-based): chr10:86,923,585, A duplicated. VCF-style (leftmost placement, unchanged base first): chr10-86923584-T-TA. GRCh37 (hg19) VCF-style: chr10-88683341-T-TA.
Other names: c.1474-9dup (NM_001406562.1, NM_001406568.1, NM_001406567.1 and 19 more transcripts); c.1390-9dup (NM_001406584.1, NM_001406588.1, NM_001406587.1 and 2 more transcripts); c.1522-9dup (NM_001406560.1); c.1549-9dup (NM_001406559.1); c.1468-9dup (NM_001406583.1); c.1132-9dup (NM_001406589.1).
Identifiers: ClinVar variation 3379145 (VCV003379145.1).
Genomic context (GRCh38, chr10:86,923,584, plus strand): 5'-CCCTGAAGAAGTGATTCGTAAATGCCACCAAATATATTCTCTGCTCACTGAACATCTCTT[T>TA]ACTTTTCAGTGTCTACGAGCAGTTTTGAAGCTAATGTCAGAATGCTGGGCCCACAATCCA-3'